The following is an entry in ClinVar:

NM_001375524.1(TRRAP):c.101-9C>T

Gene: TRRAP (transformation/transcription domain associated protein; plus strand). Cytogenetic location: 7q22.1.
Variant type: single nucleotide variant.
Coding change: c.101-9C>T on transcript NM_001375524.1 (MANE Select); 9 bases into the intron before coding-DNA position 101, C replaced by T.
Molecular consequence: intron variant.
Genome position (GRCh38, 1-based): chr7:98,881,966, C>T. VCF-style: chr7-98881966-C-T. GRCh37 (hg19) VCF-style: chr7-98479589-C-T.
Other names: c.101-9C>T (NM_001244580.2, NM_003496.4).
Identifiers: ClinVar variation 740684 (VCV000740684.9), dbSNP rs200916402, ClinGen allele CA4359141.
Genomic context (GRCh38, chr7:98,881,966, plus strand): 5'-CAAGTTTTGCATTAACATAATTTCCTTAACATAATTTCAATTACCTGATGCTTGTTTTGC[C>T]GTTCACAGCTGATGAAACAAAGTTGAAAATGATGCAAGAAGTTAGTGAAAATTTTGAGGT-3'

ClinVar aggregate classification (germline): Likely benign. Review status: criteria provided, multiple submitters, no conflicts (2 of 4 stars). 2 submissions from 2 submitters: Likely benign (2). Last evaluated 2026-03-25.

Conditions:
TRRAP-related disorder. Also called: TRRAP-related condition.

Allele frequency attached by ClinVar (database versions not stated): gnomAD exomes 0.00002 and 0.00005; ExAC 0.00004; gnomAD 0.00004 and 0.00005; TOPMed 0.00005; ESP Exome Variant Server 0.00008; 1000 Genomes Project 30x 0.00016; 1000 Genomes Project 0.00020.

Submissions (2):

PreventionGenetics, part of Exact Sciences
Classification: Likely benign for TRRAP-related condition. Last evaluated: 2026-03-25. Review status: criteria provided, single submitter. Criteria: ACMG Guidelines, 2015. Collection method: clinical testing. Allele origin: germline.
Comment: This variant is classified as likely benign based on ACMG/AMP sequence variant interpretation guidelines (Richards et al. 2015 PMID: 25741868, with internal and published modifications).

Labcorp Genetics (formerly Invitae), Labcorp
Classification: Likely benign. Last evaluated: 2025-11-18. Review status: criteria provided, single submitter. Criteria: Invitae Variant Classification Sherloc (09022015). Collection method: clinical testing. Allele origin: germline.